The following is an entry in ClinVar:

ClinVar aggregate classification (germline): Benign/Likely benign. Review status: criteria provided, multiple submitters, no conflicts (2 of 4 stars). 7 submissions from 7 submitters: Benign (4); Likely benign (3). Last evaluated 2026-09-01.

Conditions:
Mitochondrial complex I deficiency, nuclear type 15. Also called: Mitochondrial complex 1 deficiency, nuclear type 15. Identifiers: MedGen C4748778, MONDO:0032620, OMIM 618237.

Allele frequency attached by ClinVar (database versions not stated): ESP Exome Variant Server 0.00261; TOPMed 0.00295; gnomAD 0.00301 and 0.00322; 1000 Genomes Project 30x 0.00375; 1000 Genomes Project 0.00399.
gnomAD v4.1: 1,160 of 1,614,186 alleles (0.072%); highest among the groups gnomAD compares: African/African-American, 1.1%; 6 homozygotes.

Submissions (7):

CeGaT Center for Human Genetics Tuebingen
Classification: Likely benign. Last evaluated: 2026-09-01. Review status: criteria provided, single submitter. Criteria: CeGaT Center For Human Genetics Tuebingen Variant Classification Criteria Version 2. Collection method: clinical testing. Allele origin: germline. Affected: yes. Observed: 2 variant alleles.
Comment: NDUFAF4: BP4, BS1

Labcorp Genetics (formerly Invitae), Labcorp
Classification: Benign. Last evaluated: 2026-01-26. Review status: criteria provided, single submitter. Criteria: Invitae Variant Classification Sherloc (09022015). Collection method: clinical testing. Allele origin: germline.

Mayo Clinic Laboratories, Mayo Clinic
Classification: Benign. Last evaluated: 2024-08-09. Review status: criteria provided, single submitter. Criteria: ACMG Guidelines, 2015. Collection method: clinical testing. Allele origin: germline. Observed: 4 variant alleles.
Comment: BS1, BS2, BP4

ARUP Laboratories, Molecular Genetics and Genomics, ARUP Laboratories
Classification: Benign for Mitochondrial complex I deficiency, nuclear type 15. Last evaluated: 2019-05-17. Review status: criteria provided, single submitter. Criteria: ARUP Molecular Germline Variant Investigation Process. Collection method: clinical testing. Allele origin: germline.

GeneDx
Classification: Benign. Last evaluated: 2018-08-27. Review status: criteria provided, single submitter. Criteria: GeneDx Variant Classification Process June 2021. Collection method: clinical testing. Allele origin: germline. Affected: yes.

Center for Pediatric Genomic Medicine, Children's Mercy Hospital and Clinics
Classification: Likely benign. Last evaluated: 2017-01-11. Review status: criteria provided, single submitter. Criteria: ACMG Guidelines, 2015. Collection method: clinical testing. Allele origin: germline.
ClinVar note: Converted during submission from Likely Benign to Likely benign.

Breakthrough Genomics
Classification: Likely benign. Review status: criteria provided, single submitter. Criteria: ACMG Guidelines, 2015. Collection method: not provided. Allele origin: germline. Inheritance: Autosomal recessive inheritance. Affected: yes.

NM_014165.4(NDUFAF4):c.40C>A (p.Leu14Ile)

Genes: NDUFAF4 (NADH:ubiquinone oxidoreductase complex assembly factor 4; minus strand), LOC129996857 (ATAC-STARR-seq lymphoblastoid active region 24846; plus strand). Cytogenetic location: 6q16.1.
Variant type: single nucleotide variant.
Coding change: c.40C>A on transcript NM_014165.4 (MANE Select); coding-DNA position 40, C replaced by A.
Protein change: p.Leu14Ile; replaces leucine 14 with isoleucine.
Molecular consequence: missense variant.
Genome position (GRCh38, 1-based): chr6:96,897,762, G>T on the plus strand (C>A on the coding strand, the complement: NDUFAF4 is on the minus strand). VCF-style: chr6-96897762-G-T. GRCh37 (hg19) VCF-style: chr6-97345638-G-T.
Other names: p.Leu14Ile; short protein forms L14I.
Identifiers: ClinVar variation 376856 (VCV000376856.46), dbSNP rs145392673, ClinGen allele CA3931499.